The following is an entry in ClinVar:

NM_002454.3(MTRR):c.*626C>G

Gene: MTRR (5-methyltetrahydrofolate-homocysteine methyltransferase reductase; plus strand). Cytogenetic location: 5p15.31.
Variant type: single nucleotide variant.
Coding change: c.*626C>G on transcript NM_002454.3 (MANE Select); 626 bases downstream of the stop codon, C replaced by G.
Molecular consequence: 3 prime UTR variant. On other transcripts: non-coding transcript variant (14).
Genome position (GRCh38, 1-based): chr5:7,900,684, C>G. VCF-style: chr5-7900684-C-G. GRCh37 (hg19) VCF-style: chr5-7900797-C-G.
Other names: c.*626C>G (NM_001364440.2, NM_001364441.2, NM_001364442.2 and 1 more transcripts).
Identifiers: ClinVar variation 354371 (VCV000354371.6), dbSNP rs79333264, ClinGen allele CA10625281.

ClinVar aggregate classification (germline): Benign. Review status: criteria provided, multiple submitters, no conflicts (2 of 4 stars). 2 submissions from 2 submitters: Benign (2). Last evaluated 2018-01-13.

Conditions:
Disorders of Intracellular Cobalamin Metabolism. Identifiers: MedGen CN043592.

Allele frequency attached by ClinVar (database versions not stated): TOPMed 0.00113; 1000 Genomes Project 30x 0.00344; 1000 Genomes Project 0.00419.

Submissions (2):

Illumina Laboratory Services, Illumina
Classification: Benign for Disorders of Intracellular Cobalamin Metabolism. Last evaluated: 2018-01-13. Review status: criteria provided, single submitter. Criteria: ICSL Variant Classification Criteria 13 December 2019. Collection method: clinical testing. Allele origin: germline.
Comment: This variant was observed in the ICSL laboratory as part of a predisposition screen in an ostensibly healthy population. It had not been previously curated by ICSL or reported in the Human Gene Mutation Database (HGMD: prior to June 1st, 2018), and was therefore a candidate for classification through an automated scoring system. Utilizing variant allele frequency, disease prevalence and penetrance estimates, and inheritance mode, an automated score was calculated to assess if this variant is too frequent to cause the disease. Based on the score and internal cut-off values, a variant classified as benign is not then subjected to further curation. The score for this variant resulted in a classification of benign for this disease.

Breakthrough Genomics
Classification: Benign. Review status: criteria provided, single submitter. Criteria: ACMG Guidelines, 2015. Collection method: not provided. Allele origin: germline. Inheritance: Autosomal recessive inheritance. Affected: yes.